The following is an entry in ClinVar:

ClinVar aggregate classification (germline): Uncertain significance. Review status: criteria provided, multiple submitters, no conflicts (2 of 4 stars). 3 submissions from 3 submitters: Uncertain significance (3). Last evaluated 2025-05-07.

Allele frequency attached by ClinVar (database versions not stated): TOPMed 0.00001; gnomAD 0.00002; gnomAD exomes 0.00003; ExAC 0.00018.
gnomAD v4.1: 46 of 1,613,668 alleles (0.0029%); highest among the groups gnomAD compares: Non-Finnish European, 0.0034%; no homozygotes.

Submissions (3):

GeneDx
Classification: Uncertain significance. Last evaluated: 2025-05-07. Review status: criteria provided, single submitter. Criteria: GeneDx Variant Classification Process June 2021. Collection method: clinical testing. Allele origin: germline. Affected: yes.
Comment: In silico analysis suggests that this missense variant does not alter protein structure/function; Has not been previously published as pathogenic or benign to our knowledge

Blueprint Genetics
Classification: Uncertain significance. Last evaluated: 2024-07-16. Review status: criteria provided, single submitter. Criteria: ACMG Guidelines, 2015. Collection method: clinical testing. Allele origin: germline.

Labcorp Genetics (formerly Invitae), Labcorp
Classification: Uncertain significance. Last evaluated: 2022-09-03. Review status: criteria provided, single submitter. Criteria: Invitae Variant Classification Sherloc (09022015). Collection method: clinical testing. Allele origin: germline.
Comment: This sequence change replaces aspartic acid, which is acidic and polar, with asparagine, which is neutral and polar, at codon 438 of the AEBP1 protein (p.Asp438Asn). This variant is present in population databases (rs762147547, gnomAD 0.02%). This variant has not been reported in the literature in individuals affected with AEBP1-related conditions. Algorithms developed to predict the effect of missense changes on protein structure and function are either unavailable or do not agree on the potential impact of this missense change (SIFT: "Deleterious"; PolyPhen-2: "Benign"; Align-GVGD: "Class C0"). In summary, the available evidence is currently insufficient to determine the role of this variant in disease. Therefore, it has been classified as a Variant of Uncertain Significance.

NM_001129.5(AEBP1):c.1312G>A (p.Asp438Asn)

Gene: AEBP1 (AE binding protein 1; plus strand). Cytogenetic location: 7p13.
Variant type: single nucleotide variant.
Coding change: c.1312G>A on transcript NM_001129.5 (MANE Select); coding-DNA position 1312, G replaced by A.
Protein change: p.Asp438Asn; replaces aspartic acid 438 with asparagine.
Molecular consequence: missense variant.
Genome position (GRCh38, 1-based): chr7:44,110,258, G>A. VCF-style: chr7-44110258-G-A. GRCh37 (hg19) VCF-style: chr7-44149857-G-A.
Other names: c.1312G>A (NM_001129.4); short protein forms D438N.
Identifiers: ClinVar variation 2177656 (VCV002177656.3), dbSNP rs762147547, ClinGen allele CA4237855.